The following is an entry in ClinVar:

ClinVar aggregate classification (germline): Uncertain significance (1 of 4 stars; one submission).

Submission:

Labcorp Genetics (formerly Invitae), Labcorp
Classification: Uncertain significance. Last evaluated: 2025-06-23. Review status: criteria provided, single submitter. Criteria: Invitae Variant Classification Sherloc (09022015). Collection method: clinical testing. Allele origin: germline.
Comment: This sequence change replaces isoleucine, which is neutral and non-polar, with methionine, which is neutral and non-polar, at codon 684 of the NSD1 protein (p.Ile684Met). This variant is present in population databases (no rsID available, gnomAD 0.003%). This variant has not been reported in the literature in individuals affected with NSD1-related conditions. ClinVar contains an entry for this variant (Variation ID: 3667057). Invitae Evidence Modeling of protein sequence and biophysical properties (such as structural, functional, and spatial information, amino acid conservation, physicochemical variation, residue mobility, and thermodynamic stability) indicates that this missense variant is not expected to disrupt NSD1 protein function with a negative predictive value of 80%. In summary, the available evidence is currently insufficient to determine the role of this variant in disease. Therefore, it has been classified as a Variant of Uncertain Significance.

NM_022455.5(NSD1):c.2052A>G (p.Ile684Met)

Gene: NSD1 (nuclear receptor binding SET domain protein 1; plus strand). Cytogenetic location: 5q35.3.
Variant type: single nucleotide variant.
Coding change: c.2052A>G on transcript NM_022455.5 (MANE Select); coding-DNA position 2052, A replaced by G.
Protein change: p.Ile684Met; replaces isoleucine 684 with methionine.
Molecular consequence: missense variant.
Genome position (GRCh38, 1-based): chr5:177,210,451, A>G. VCF-style: chr5-177210451-A-G. GRCh37 (hg19) VCF-style: chr5-176637452-A-G.
Other names: c.1179A>G, p.Ile393Met (NM_172349.5, NM_001365684.2, NM_001409306.1 and 3 more transcripts); c.2052A>G, p.Ile684Met (NM_001409301.1, NM_001409302.1, NM_001409303.1); c.1632A>G, p.Ile544Met (NM_001409304.1); c.1299A>G, p.Ile433Met (NM_001409305.1); short protein forms I433M, I544M, I684M, I393M.
Identifiers: ClinVar variation 3667057 (VCV003667057.2).
Genomic context (GRCh38, chr5:177,210,451, plus strand): 5'-AATTCCAGATGCTTTCGATAGAACAGAGAACATGTTATCTATGCAGAAAAATGAAAAGAT[A>G]AAGTATTCTAGGTTTGCTGCCACAAACACTAGGGTAAAAGCAAAACAGAAGCCTCTCATT-3'
Protein context (NP_071900.2, residues 674-694): NMLSMQKNEK[Ile684Met]KYSRFAATNT